The following is an entry in ClinVar:

ClinVar aggregate classification (germline): Uncertain significance (1 of 4 stars; one submission).

Conditions:
Inborn genetic diseases. Identifiers: MedGen C0950123, MeSH D030342.

gnomAD v4.1: 10 of 1,605,208 alleles (0.00062%); highest among the groups gnomAD compares: Non-Finnish European, 0.00077%; no homozygotes.

Submission:

Ambry Genetics
Classification: Uncertain significance for Inborn genetic diseases. Last evaluated: 2026-07-07. Review status: criteria provided, single submitter. Criteria: Ambry Variant Classification Scheme 2023. Collection method: clinical testing. Allele origin: germline.
Comment: The p.G426D variant (also known as c.1277G>A), located in coding exon 13 of the RYR1 gene, results from a G to A substitution at nucleotide position 1277. The glycine at codon 426 is replaced by aspartic acid, an amino acid with similar properties. This amino acid position is conserved. In addition, this alteration is predicted to be deleterious by in silico analysis. Based on the available evidence, the clinical significance of this variant remains unclear.

NM_000540.3(RYR1):c.1277G>A (p.Gly426Asp)

Gene: RYR1 (ryanodine receptor 1; plus strand). Cytogenetic location: 19q13.2.
Variant type: single nucleotide variant.
Coding change: c.1277G>A on transcript NM_000540.3 (MANE Select); coding-DNA position 1277, G replaced by A.
Protein change: p.Gly426Asp; replaces glycine 426 with aspartic acid.
Molecular consequence: missense variant.
Genome position (GRCh38, 1-based): chr19:38,452,851, G>A. VCF-style: chr19-38452851-G-A. GRCh37 (hg19) VCF-style: chr19-38943491-G-A.
Other names: c.1277G>A, p.Gly426Asp (NM_001042723.2); short protein forms G426D.
Identifiers: ClinVar variation 5028644 (VCV005028644.1).